The following is an entry in ClinVar:

ClinVar aggregate classification (germline): Likely benign (1 of 4 stars; one submission).

Allele frequency attached by ClinVar (database versions not stated): 1000 Genomes Project 30x 0.00016; 1000 Genomes Project 0.00020; ExAC 0.00110; gnomAD 0.00113; TOPMed 0.00121; ESP Exome Variant Server 0.00172; gnomAD exomes 0.00227.

Submission:

CeGaT Center for Human Genetics Tuebingen
Classification: Likely benign. Last evaluated: 2023-11-01. Review status: criteria provided, single submitter. Criteria: CeGaT Center For Human Genetics Tuebingen Variant Classification Criteria Version 2. Collection method: clinical testing. Allele origin: germline. Affected: yes. Observed: 1 variant allele.
Comment: TMEM236: PP3, BS2

NM_001098844.3(TMEM236):c.330G>C (p.Glu110Asp)

Gene: TMEM236 (transmembrane protein 236; plus strand). Cytogenetic location: 10p12.33.
Variant type: single nucleotide variant.
Coding change: c.330G>C on transcript NM_001098844.3 (MANE Select); coding-DNA position 330, G replaced by C.
Protein change: p.Glu110Asp; replaces glutamic acid 110 with aspartic acid.
Molecular consequence: missense variant.
Genome position (GRCh38, 1-based): chr10:17,771,381, G>C. VCF-style: chr10-17771381-G-C. GRCh37 (hg19) VCF-style: chr10-17813380-G-C.
Other names: short protein forms E110D.
Identifiers: ClinVar variation 2672394 (VCV002672394.23), dbSNP rs200031293, ClinGen allele CA5427990.